The following is an entry in ClinVar:

ClinVar aggregate classification (germline): Uncertain significance (1 of 4 stars; one submission).

Submission:

Labcorp Genetics (formerly Invitae), Labcorp
Classification: Uncertain significance. Last evaluated: 2022-07-06. Review status: criteria provided, single submitter. Criteria: Invitae Variant Classification Sherloc (09022015). Collection method: clinical testing. Allele origin: germline.
Comment: This variant is not present in population databases (gnomAD no frequency). This variant has not been reported in the literature in individuals affected with ATAD1-related conditions. In summary, the available evidence is currently insufficient to determine the role of this variant in disease. Therefore, it has been classified as a Variant of Uncertain Significance. This sequence change creates a premature translational stop signal (p.Arg265Lysfs*4) in the ATAD1 gene. It is expected to result in an absent or disrupted protein product. However, the current clinical and genetic evidence is not sufficient to establish whether loss-of-function variants in ATAD1 cause disease.

NM_001321967.2(ATAD1):c.794_797del (p.Arg265fs)

Gene: ATAD1 (ATPase family AAA domain containing 1; minus strand). Cytogenetic location: 10q23.31.
Variant type: Microsatellite.
Coding change: c.794_797del on transcript NM_001321967.2 (MANE Select); coding-DNA positions 794 to 797, 4 bases deleted (GAGA; older notation c.794_797delGAGA).
Protein change: p.Arg265fs; shifts the reading frame from arginine 265.
Molecular consequence: frameshift variant. On other transcripts: non-coding transcript variant (1).
Genome position (GRCh38, 1-based): chr10:87,767,707-87,767,710, TCTC deleted on the plus strand (GAGA on the coding strand, the reverse complement: ATAD1 is on the minus strand); deleting any 4 consecutive bases within chr10:87,767,707-87,767,713 gives the same sequence; the c. name uses the placement nearest the transcript's 3' end. VCF-style (leftmost placement, unchanged base first): chr10-87767706-TTCTC-T. GRCh37 (hg19) VCF-style: chr10-89527463-TTCTC-T.
Other names: c.704_707del, p.Arg235fs (NM_001321968.2); c.437_440del, p.Arg146fs (NM_001321969.2); c.794_797del, p.Arg265fs (NM_032810.4); short protein forms R265fs, R146fs, R235fs.
Identifiers: ClinVar variation 1355700 (VCV001355700.6), dbSNP rs753500821, ClinGen allele CA5589978.